The following is an entry in ClinVar:

ClinVar aggregate classification (germline): Conflicting classifications of pathogenicity. Review status: criteria provided, conflicting classifications (1 of 4 stars). 12 submissions from 12 submitters: Uncertain significance (8); Benign (1); Likely benign (3). Last evaluated 2026-01-27.

Conditions:
BAP1-related tumor predisposition syndrome (TPDS1). Also called: COMMON Syndrome; BAP1 tumor predisposition syndrome; TUMOR PREDISPOSITION SYNDROME 1; Tumor susceptibility linked to germline BAP1 mutations. Identifiers: Orphanet 289539, MedGen C3280492, MONDO:0013692, OMIM 614327.
Kury-Isidor syndrome (KURIS). Identifiers: MedGen C5676925, MONDO:0859230, OMIM 619762.
BAP1-related disorder. Also called: BAP1-related condition.
Hereditary cancer-predisposing syndrome. Also called: Neoplastic Syndromes, Hereditary; Hereditary neoplastic syndrome; Hereditary Cancer Syndrome; Tumor predisposition. Identifiers: Orphanet 140162, MedGen C0027672, MeSH D009386, MONDO:0015356.
Medulloblastoma (MDB). Also called: Medulloblastoma, somatic; MEDULLOBLASTOMA PREDISPOSITION SYNDROME. Identifiers: Orphanet 616, MedGen C0025149, MeSH D008527, MONDO:0007959, OMIM 155255, HP:0002885.

Allele frequency attached by ClinVar (database versions not stated): gnomAD 0.00004 and 0.00005; TOPMed 0.00004; gnomAD exomes 0.00007 and 0.00008; ESP Exome Variant Server 0.00008; ExAC 0.00004.
gnomAD v4.1: 137 of 1,613,424 alleles (0.0085%); highest among the groups gnomAD compares: Non-Finnish European, 0.01%; no homozygotes.

Submissions (12):

PreventionGenetics, part of Exact Sciences
Classification: Uncertain significance for BAP1-related condition. Last evaluated: 2026-01-27. Review status: criteria provided, single submitter. Criteria: ACMG Guidelines, 2015. Collection method: clinical testing. Allele origin: germline.
Comment: The BAP1 c.1147C>T variant is predicted to result in the amino acid substitution p.Arg383Cys. This variant was reported in individuals with mesothelioma, pancreatic, and hereditary breast and/or ovarian cancer (Ohar et al. 2016. PubMed ID: 26719535; Kwong et al. 2020. PubMed ID: 32068069; Kars et al. 2021. PubMed ID: 34426522; Yin et al. 2022. PubMed ID: 35171259; Pereira et al. 2022. PubMed ID: 35980532). This variant is reported in 0.012% of alleles in individuals of European (Non-Finnish) descent in gnomAD. Functional studies suggest that this variant may impact BAP1 protein function (Ohar et al. 2016. PubMed ID: 26719535). Although we suspect that this variant may be benign, at this time, the clinical significance of this variant is uncertain due to the absence of conclusive functional and genetic evidence.

Labcorp Genetics (formerly Invitae), Labcorp
Classification: Uncertain significance for BAP1-related tumor predisposition syndrome. Last evaluated: 2026-01-26. Review status: criteria provided, single submitter. Criteria: Invitae Variant Classification Sherloc (09022015). Collection method: clinical testing. Allele origin: germline.
Comment: This sequence change replaces arginine, which is basic and polar, with cysteine, which is neutral and slightly polar, at codon 383 of the BAP1 protein (p.Arg383Cys). This variant is present in population databases (rs201844078, gnomAD 0.01%). This missense change has been observed in individual(s) with hereditary breast and ovarian cancer and/or malignant mesothelioma (PMID: 26719535, 32068069, 35980532). ClinVar contains an entry for this variant (Variation ID: 240042). Invitae Evidence Modeling of protein sequence and biophysical properties (such as structural, functional, and spatial information, amino acid conservation, physicochemical variation, residue mobility, and thermodynamic stability) indicates that this missense variant is not expected to disrupt BAP1 protein function with a negative predictive value of 80%. Experimental studies have shown that this missense change affects BAP1 function (PMID: 26719535). In summary, the available evidence is currently insufficient to determine the role of this variant in disease. Therefore, it has been classified as a Variant of Uncertain Significance.

Women's Health and Genetics/Laboratory Corporation of America, LabCorp
Classification: Uncertain significance. Last evaluated: 2025-12-31. Review status: criteria provided, single submitter. Criteria: LabCorp Variant Classification Summary - May 2015. Collection method: clinical testing. Allele origin: germline.
Comment: Variant summary: BAP1 c.1147C>T (p.Arg383Cys) results in a non-conservative amino acid change in the encoded protein sequence. Algorithms developed to predict the effect of missense changes on protein structure and function are either unavailable or do not agree on the potential impact of this missense change. The variant allele was found at a frequency of 6.5e-05 in 246044 control chromosomes (gnomAD). This frequency is not significantly higher than estimated for disease-causing variants in BAP1, allowing no conclusion about variant significance. c.1147C>T has been observed in individuals affected with mesothelioma or breast cancer without strong evidence of causality (e.g. Ohar_2016, Kwong_2020, Pereira_2022). These reports do not provide unequivocal conclusions about association of the variant with BAP1-Related Disorders. At least one publication reports experimental evidence evaluating an impact on protein function. The most pronounced variant effect results in >50%-90% of normal activity (Ohar_2016). The following publications have been ascertained in the context of this evaluation (PMID: 26719535, 32068069, 35980532). ClinVar contains an entry for this variant (Variation ID: 240042). Based on the evidence outlined above, the variant was classified as uncertain significance.

Color Diagnostics, LLC DBA Color Health
Classification: Benign for Hereditary cancer-predisposing syndrome. Last evaluated: 2025-12-10. Review status: criteria provided, single submitter. Criteria: ACMG Guidelines, 2015. Collection method: clinical testing. Allele origin: germline.

Quest Diagnostics Nichols Institute San Juan Capistrano
Classification: Likely benign. Last evaluated: 2025-09-15. Review status: criteria provided, single submitter. Criteria: Quest Diagnostics criteria. Collection method: clinical testing. Allele origin: unknown.

GeneDx
Classification: Uncertain significance. Last evaluated: 2025-03-31. Review status: criteria provided, single submitter. Criteria: GeneDx Variant Classification Process June 2021. Collection method: clinical testing. Allele origin: germline. Affected: yes.
Comment: Published functional studies demonstrate mildly decreased enzyme activity (PMID: 26719535); In silico analysis supports that this missense variant has a deleterious effect on protein structure/function; Observed in individuals with a personal or family history of malignant mesothelioma, pancreatic cancer, and/or breast cancer (PMID: 26719535, 32068069, 35171259, 35980532); This variant is associated with the following publications: (PMID: 27181379, 24970262, 34426522, 32068069, 35171259, 26719535, 35980532)

Myriad Genetics, Inc.
Classification: Likely benign for BAP1-related tumor predisposition syndrome. Last evaluated: 2024-07-15. Review status: criteria provided, single submitter. Criteria: Myriad Autosomal Dominant, Autosomal Recessive and X-Linked Classification Criteria (2023). Collection method: clinical testing. Allele origin: unknown.
Comment: This variant is considered likely benign. This variant has been observed at a population frequency that is significantly greater than expected given the associated disease prevalence and penetrance.

Baylor Genetics
Classification: Uncertain significance for BAP1-related tumor predisposition syndrome. Last evaluated: 2023-10-21. Review status: criteria provided, single submitter. Criteria: ACMG Guidelines, 2015. Collection method: clinical testing. Allele origin: unknown.

Fulgent Genetics
Classification: Uncertain significance for BAP1-related tumor predisposition syndrome; Kury-Isidor syndrome. Last evaluated: 2022-04-16. Review status: criteria provided, single submitter. Criteria: ACMG Guidelines, 2015. Collection method: clinical testing. Allele origin: unknown.

Sema4
Classification: Uncertain significance for Hereditary cancer-predisposing syndrome. Last evaluated: 2021-08-31. Review status: criteria provided, single submitter. Criteria: Sema4 Curation Guidelines. Collection method: curation. Allele origin: germline.
Comment: The BAP1 c.1147C>T (p.R383C) variant has been reported in heterozygosity in at least three individuals with malignant mesothelioma, uveal melanoma, or breast cancer (PMID: 26719535, 24970262, 32068069). It has also been reported in individuals without cancer (PMID: 29641532). In silico predictions of the variant's effect on protein function are inconclusive. Functional studies have shown that this variant slightly decreases in BAP1 enzyme activity, though the variant BAP1 was still able to interact with ASXL2 (PMID: 26719535). This variant was observed in 15/122780 chromosomes in the European (non-Finnish) population, with no homozygotes, according to the Genome Aggregation Database (PMID: 32461654) and has been reported in ClinVar (Variation ID: 240042). The overall evidence is inconsistent with ACMG/AMP requirements for a classification of benign or pathogenic. In summary, the clinical significance of this variant is currently uncertain.

Ambry Genetics
Classification: Likely benign for Hereditary cancer-predisposing syndrome. Last evaluated: 2021-03-04. Review status: criteria provided, single submitter. Criteria: Ambry Variant Classification Scheme 2023. Collection method: clinical testing. Allele origin: germline.

St. Jude Molecular Pathology, St. Jude Children's Research Hospital
Classification: Uncertain significance for Medulloblastoma. Last evaluated: 2016-09-02. Review status: criteria provided, single submitter. Criteria: ACMG Guidelines, 2015. Collection method: clinical testing. Allele origin: germline. Affected: yes.

Literature cited by the submitters: PubMed 26719535 (cited by 5 submitters); PubMed 32068069 (cited by 4 submitters); PubMed 35980532 (cited by 3 submitters); PubMed 35171259 (cited by Quest Diagnostics Nichols Institute San Juan Capistrano); PubMed 30517737 (cited by Quest Diagnostics Nichols Institute San Juan Capistrano); PubMed 29641532 (cited by Quest Diagnostics Nichols Institute San Juan Capistrano and Sema4); PubMed 34426522 (cited by Quest Diagnostics Nichols Institute San Juan Capistrano); PubMed 31447071 (cited by Quest Diagnostics Nichols Institute San Juan Capistrano); PubMed 24970262 (cited by Quest Diagnostics Nichols Institute San Juan Capistrano and Sema4).

NM_004656.4(BAP1):c.1147C>T (p.Arg383Cys)

Gene: BAP1 (BRCA1 associated deubiquitinase 1; minus strand). Cytogenetic location: 3p21.1.
Variant type: single nucleotide variant.
Coding change: c.1147C>T on transcript NM_004656.4 (MANE Select); coding-DNA position 1147, C replaced by T.
Protein change: p.Arg383Cys; replaces arginine 383 with cysteine.
Molecular consequence: missense variant.
Genome position (GRCh38, 1-based): chr3:52,404,556, G>A on the plus strand (C>T on the coding strand, the complement: BAP1 is on the minus strand). VCF-style: chr3-52404556-G-A. GRCh37 (hg19) VCF-style: chr3-52438572-G-A.
Other names: c.1147C>T (LRG_529t1); short protein forms R383C.
Identifiers: ClinVar variation 240042 (VCV000240042.34), dbSNP rs201844078, ClinGen allele CA2436889.